The following is an entry in ClinVar:

NM_003238.6(TGFB2):c.758T>C (p.Ile253Thr)

Gene: TGFB2 (transforming growth factor beta 2; plus strand). Cytogenetic location: 1q41.
Variant type: single nucleotide variant.
Coding change: c.758T>C on transcript NM_003238.6 (MANE Select); coding-DNA position 758, T replaced by C.
Protein change: p.Ile253Thr; replaces isoleucine 253 with threonine.
Molecular consequence: missense variant.
Genome position (GRCh38, 1-based): chr1:218,435,973, T>C. VCF-style: chr1-218435973-T-C. GRCh37 (hg19) VCF-style: chr1-218609315-T-C.
Other names: c.842T>C, p.Ile281Thr (NM_001135599.4); short protein forms I253T, I281T.
Identifiers: ClinVar variation 2631372 (VCV002631372.1), dbSNP rs1322126863, ClinGen allele CA344726995.
Genomic context (GRCh38, chr1:218,435,973, plus strand): 5'-GACTATATTTGATGAAGGTGAAGCTAAATGTTTATTACCCAAATGCATTTTTTCAAGGTA[T>C]TGATGGCACCTCCACATATACCAGTGGTGATCAGAAAACTATAAAGTCCACTAGGAAAAA-3'
Protein context (NP_003229.1, residues 243-263): SEELEARFAG[Ile253Thr]DGTSTYTSGD

ClinVar aggregate classification (germline): Uncertain significance (1 of 4 stars; one submission).

Conditions:
TGFB2-related disorder. Also called: TGFB2-related condition.

Allele frequency attached by ClinVar (database versions not stated): gnomAD exomes below 0.00001.
gnomAD v4.1: 1 of 1,603,594 alleles (0.000062%); highest among the groups gnomAD compares: Non-Finnish European, 0.000085%; no homozygotes.

Submission:

PreventionGenetics, part of Exact Sciences
Classification: Uncertain significance for TGFB2-related condition. Last evaluated: 2023-07-07. Review status: criteria provided, single submitter. Criteria: ACMG Guidelines, 2015. Collection method: clinical testing. Allele origin: germline.
Comment: The TGFB2 c.758T>C variant is predicted to result in the amino acid substitution p.Ile253Thr. To our knowledge, this variant has not been reported in the literature. This variant is reported in 0.00091% of alleles in individuals of European (Non-Finnish) descent in gnomAD. At this time, the clinical significance of this variant is uncertain due to the absence of conclusive functional and genetic evidence.